The following is an entry in ClinVar:

NM_172364.5(CACNA2D4):c.1218C>T (p.Gly406=)

Gene: CACNA2D4 (calcium voltage-gated channel auxiliary subunit alpha2delta 4; minus strand). Cytogenetic location: 12p13.33.
Variant type: single nucleotide variant.
Coding change: c.1218C>T on transcript NM_172364.5 (MANE Select); coding-DNA position 1218, C replaced by T.
Protein change: p.Gly406=; no amino-acid change (glycine 406 retained).
Molecular consequence: synonymous variant.
Genome position (GRCh38, 1-based): chr12:1,884,822, G>A on the plus strand (C>T on the coding strand, the complement: CACNA2D4 is on the minus strand). VCF-style: chr12-1884822-G-A. GRCh37 (hg19) VCF-style: chr12-1993988-G-A.
Identifiers: ClinVar variation 749233 (VCV000749233.40), dbSNP rs200027649, ClinGen allele CA6387224.
Genomic context (GRCh38, chr12:1,884,822, plus strand): 5'-GGTCACCTTACAGTCTGGCCAGTTATACTTCTCAAACACCGGCTCGTAGTCCTCCACGGC[G>A]CCGTCGCTGATGAGCATGATGGCCTGGTTGCAGAGGCTTCCTTGCTTGGCCTCTTGGAAC-3'
Protein context (NP_758952.4, residues 396-416): CNQAIMLISD[Gly406=]AVEDYEPVFE

ClinVar aggregate classification (germline): Conflicting classifications of pathogenicity. Review status: criteria provided, conflicting classifications (1 of 4 stars). 5 submissions from 5 submitters: Uncertain significance (1); Likely benign (3). 1 of the submissions does not count toward it. Last evaluated 2026-01-05.

Conditions:
Retinal cone dystrophy 4 (RCD4). Identifiers: Orphanet 1872, MedGen C1864849, MONDO:0012507, OMIM 610478.
CACNA2D4-related disorder. Also called: CACNA2D4-related condition.

Allele frequency attached by ClinVar (database versions not stated): 1000 Genomes Project 30x 0.00031; gnomAD exomes 0.00037 and 0.00044; ExAC 0.00038; 1000 Genomes Project 0.00040; TOPMed 0.00063; ESP Exome Variant Server 0.00064; gnomAD 0.00069 and 0.00075.
gnomAD v4.1: 730 of 1,613,746 alleles (0.045%); highest among the groups gnomAD compares: African/African-American, 0.12%; no homozygotes.

Submissions (5):

Labcorp Genetics (formerly Invitae), Labcorp
Classification: Likely benign. Last evaluated: 2026-01-05. Review status: criteria provided, single submitter. Criteria: Invitae Variant Classification Sherloc (09022015). Collection method: clinical testing. Allele origin: germline.

Blueprint Genetics
Classification: Likely benign. Last evaluated: 2024-10-22. Review status: criteria provided, single submitter. Criteria: ACMG Guidelines, 2015. Collection method: clinical testing. Allele origin: germline.

CeGaT Center for Human Genetics Tuebingen
Classification: Likely benign. Last evaluated: 2022-09-01. Review status: criteria provided, single submitter. Criteria: CeGaT Center For Human Genetics Tuebingen Variant Classification Criteria Version 2. Collection method: clinical testing. Allele origin: germline. Affected: yes. Observed: 1 variant allele.
Comment: CACNA2D4: BP4, BP7

Illumina Laboratory Services, Illumina
Classification: Uncertain significance for Retinal cone dystrophy 4. Last evaluated: 2018-01-13. Review status: criteria provided, single submitter. Criteria: ICSL Variant Classification Criteria 13 December 2019. Collection method: clinical testing. Allele origin: germline.

PreventionGenetics, part of Exact Sciences
Classification: Likely benign for CACNA2D4-related condition. Last evaluated: 2019-11-05. Review status: no assertion criteria provided. Collection method: clinical testing. Allele origin: germline. Not counted in ClinVar's aggregate classification.
Comment: This variant is classified as likely benign based on ACMG/AMP sequence variant interpretation guidelines (Richards et al. 2015 PMID: 25741868, with internal and published modifications).